The following is an entry in ClinVar:

NM_017617.5(NOTCH1):c.3421T>C (p.Tyr1141His)

Gene: NOTCH1 (notch receptor 1; minus strand). Cytogenetic location: 9q34.3.
Variant type: single nucleotide variant.
Coding change: c.3421T>C on transcript NM_017617.5 (MANE Select); coding-DNA position 3421, T replaced by C.
Protein change: p.Tyr1141His; replaces tyrosine 1141 with histidine.
Molecular consequence: missense variant.
Genome position (GRCh38, 1-based): chr9:136,508,044, A>G on the plus strand (T>C on the coding strand, the complement: NOTCH1 is on the minus strand). VCF-style: chr9-136508044-A-G. GRCh37 (hg19) VCF-style: chr9-139402496-A-G.
Other names: c.3421T>C (NM_017617.3); short protein forms Y1141H.
Identifiers: ClinVar variation 3703496 (VCV003703496.3).

ClinVar aggregate classification (germline): Uncertain significance. Review status: criteria provided, multiple submitters, no conflicts (2 of 4 stars). 2 submissions from 2 submitters: Uncertain significance (2). Last evaluated 2025-02-25.

Conditions:
Familial thoracic aortic aneurysm and aortic dissection (TAAD). Also called: Thoracic aortic aneurysms and dissections. Identifiers: Orphanet 91387, MedGen C4707243, MONDO:0019625.
Adams-Oliver syndrome 5 (AOS5). Identifiers: Orphanet 974, MedGen C4014970, MONDO:0014459, OMIM 616028.

Submissions (2):

Ambry Genetics
Classification: Uncertain significance for Familial thoracic aortic aneurysm and aortic dissection. Last evaluated: 2025-02-25. Review status: criteria provided, single submitter. Criteria: Ambry Variant Classification Scheme 2023. Collection method: clinical testing. Allele origin: germline.

Labcorp Genetics (formerly Invitae), Labcorp
Classification: Uncertain significance for Adams-Oliver syndrome 5. Last evaluated: 2025-01-08. Review status: criteria provided, single submitter. Criteria: Invitae Variant Classification Sherloc (09022015). Collection method: clinical testing. Allele origin: germline.
Comment: This sequence change replaces tyrosine, which is neutral and polar, with histidine, which is basic and polar, at codon 1141 of the NOTCH1 protein (p.Tyr1141His). This variant is not present in population databases (gnomAD no frequency). This variant has not been reported in the literature in individuals affected with NOTCH1-related conditions. Invitae Evidence Modeling of protein sequence and biophysical properties (such as structural, functional, and spatial information, amino acid conservation, physicochemical variation, residue mobility, and thermodynamic stability) indicates that this missense variant is not expected to disrupt NOTCH1 protein function with a negative predictive value of 95%. In summary, the available evidence is currently insufficient to determine the role of this variant in disease. Therefore, it has been classified as a Variant of Uncertain Significance.